The following is an entry in ClinVar:

ClinVar aggregate classification (germline): Uncertain significance (1 of 4 stars; one submission).

Conditions:
PPARG-related disorder. Also called: PPARG-related condition; PPARG-related disorders.

gnomAD v4.1: 5 of 1,614,020 alleles (0.00031%); highest among the groups gnomAD compares: African/African-American, 0.0027%; no homozygotes.

Submission:

PreventionGenetics, part of Exact Sciences
Classification: Uncertain significance for PPARG-related condition. Last evaluated: 2026-07-06. Review status: criteria provided, single submitter. Criteria: ACMG Guidelines, 2015. Collection method: clinical testing. Allele origin: germline.
Comment: The PPARG c.946C>T variant is predicted to result in the amino acid substitution p.Arg316Cys. This variant was previously reported in a large cohort of individuals with hypertriglyceridemia (reported as p.Arg288Cys in supplementary data, Deshotels et al. 2022. PubMed ID: 36325899). This variant is reported in 0.011% of alleles in individuals of African descent in gnomAD. At this time, the clinical significance of this variant is uncertain due to the absence of conclusive functional and genetic evidence.

NM_138711.6(PPARG):c.856C>T (p.Arg286Cys)

Gene: PPARG (peroxisome proliferator activated receptor gamma; plus strand). Cytogenetic location: 3p25.2.
Variant type: single nucleotide variant.
Coding change: c.856C>T on transcript NM_138711.6 (MANE Select); coding-DNA position 856, C replaced by T.
Protein change: p.Arg286Cys; replaces arginine 286 with cysteine.
Molecular consequence: missense variant. On other transcripts: intron variant (5).
Genome position (GRCh38, 1-based): chr3:12,416,830, C>T. VCF-style: chr3-12416830-C-T. GRCh37 (hg19) VCF-style: chr3-12458329-C-T.
Other names: c.856C>T, p.Arg286Cys (NM_001354666.3, NM_001354667.3, NM_001374263.2 and 3 more transcripts); c.229C>T, p.Arg77Cys (NM_001354669.2); c.946C>T, p.Arg316Cys (NM_015869.5); c.729+10749C>T (NM_001374261.3, NM_001374262.3, NM_001330615.4); c.653+10831C>T (NM_001374266.1); c.819+10749C>T (NM_001374265.1); short protein forms R77C, R316C, R286C.
Identifiers: ClinVar variation 4984421 (VCV004984421.1).